The following is an entry in ClinVar:

ClinVar aggregate classification (germline): Uncertain significance (1 of 4 stars; one submission).

Conditions:
Charcot-Marie-Tooth disease axonal type 2Z. Also called: CHARCOT-MARIE-TOOTH DISEASE, AXONAL, AUTOSOMAL DOMINANT, TYPE 2Z; CHARCOT-MARIE-TOOTH NEUROPATHY, TYPE 2Z. Identifiers: Orphanet 466768, MedGen C5569025, MONDO:0014736, OMIM 616688.

Submission:

Labcorp Genetics (formerly Invitae), Labcorp
Classification: Uncertain significance for Charcot-Marie-Tooth disease axonal type 2Z. Last evaluated: 2019-10-10. Review status: criteria provided, single submitter. Criteria: Invitae Variant Classification Sherloc (09022015). Collection method: clinical testing. Allele origin: germline.
Comment: In summary, the available evidence is currently insufficient to determine the role of this variant in disease. Therefore, it has been classified as a Variant of Uncertain Significance. Algorithms developed to predict the effect of missense changes on protein structure and function are either unavailable or do not agree on the potential impact of this missense change (SIFT: "Deleterious"; PolyPhen-2: "Probably Damaging"; Align-GVGD: "Class C0"). This variant has not been reported in the literature in individuals with MORC2-related conditions. This variant is not present in population databases (ExAC no frequency). This sequence change replaces isoleucine with threonine at codon 116 of the MORC2 protein (p.Ile116Thr). The isoleucine residue is highly conserved and there is a moderate physicochemical difference between isoleucine and threonine.

NM_001303256.3(MORC2):c.347T>C (p.Ile116Thr)

Gene: MORC2 (MORC family CW-type zinc finger 2; minus strand). Cytogenetic location: 22q12.2.
Variant type: single nucleotide variant.
Coding change: c.347T>C on transcript NM_001303256.3 (MANE Select); coding-DNA position 347, T replaced by C.
Protein change: p.Ile116Thr; replaces isoleucine 116 with threonine.
Molecular consequence: missense variant.
Genome position (GRCh38, 1-based): chr22:30,946,420, A>G on the plus strand (T>C on the coding strand, the complement: MORC2 is on the minus strand). VCF-style: chr22-30946420-A-G. GRCh37 (hg19) VCF-style: chr22-31342407-A-G.
Other names: c.347T>C, p.Ile116Thr (NM_001303257.2); c.161T>C, p.Ile54Thr (NM_014941.3); short protein forms I116T, I54T.
Identifiers: ClinVar variation 942116 (VCV000942116.8), dbSNP rs2040817042, ClinGen allele CA411244869.